The following is an entry in ClinVar:

NM_198525.3(KIF7):c.3331C>T (p.Arg1111Ter)

Genes: KIF7 (kinesin family member 7; minus strand), LOC126862216 (BRD4-independent group 4 enhancer GRCh37_chr15:90171995-90173194; plus strand). Cytogenetic location: 15q26.1.
Variant type: single nucleotide variant.
Coding change: c.3331C>T on transcript NM_198525.3 (MANE Select); coding-DNA position 3331, C replaced by T.
Protein change: p.Arg1111Ter; replaces arginine 1111 with a stop codon.
Molecular consequence: nonsense.
Genome position (GRCh38, 1-based): chr15:89,629,561, G>A on the plus strand (C>T on the coding strand, the complement: KIF7 is on the minus strand). VCF-style: chr15-89629561-G-A. GRCh37 (hg19) VCF-style: chr15-90172792-G-A.
Other names: short protein forms R1111*.
Identifiers: ClinVar variation 217670 (VCV000217670.19), dbSNP rs778139192, ClinGen allele CA277688.
Genomic context (GRCh38, chr15:89,629,561, plus strand): 5'-GCTCCTCCAGCTGCATCTCCAGTTCCGAGAAGGCAATCTGCTGCTGGTGCTGCTCCTCTC[G>A]GAGCGTCACCACCTGTCCCAAGACCCAGCCAGGCTCAGCCCTCATCATGACCCCTCTTCA-3'

ClinVar aggregate classification (germline): Pathogenic. Review status: criteria provided, multiple submitters, no conflicts (2 of 4 stars). 9 submissions from 9 submitters: Pathogenic (9). Last evaluated 2026-02-25.

Conditions:
KIF7-related disorder. Also called: KIF7-related condition.
Acrocallosal syndrome (ACLS). Also called: Schinzel syndrome 1; Absence of corpus callosum with unusual facial appearance, mental deficiency, duplication of the halluces and polydactyly; HALLUX DUPLICATION, POSTAXIAL POLYDACTYLY, AND ABSENCE OF CORPUS CALLOSUM. Identifiers: Orphanet 36, MedGen C0796147, MONDO:0008708, OMIM 200990.

gnomAD v4.1: 18 of 1,606,422 alleles (0.0011%); highest among the groups gnomAD compares: African/African-American, 0.004%; no homozygotes.

Submissions (9):

GeneDx
Classification: Pathogenic. Last evaluated: 2026-02-25. Review status: criteria provided, single submitter. Criteria: GeneDx Variant Classification Process June 2021. Collection method: clinical testing. Allele origin: germline.
Comment: Nonsense variant predicted to result in protein truncation or nonsense mediated decay in a gene for which loss of function is a known mechanism of disease; Not observed at a significant frequency in large population cohorts (gnomAD); This variant is associated with the following publications: (PMID: 32040484, 32055034, 26092869, 27081521, 29620724, 23125460)

Daryl Scott Lab, Baylor College of Medicine
Classification: Pathogenic for KIF7-related disorder. Last evaluated: 2025-08-25. Review status: criteria provided, single submitter. Criteria: ACMG Guidelines, 2015. Collection method: clinical testing. Allele origin: biparental. Affected: yes.
Comment: PVS1, PM2

Women's Health and Genetics/Laboratory Corporation of America, LabCorp
Classification: Pathogenic for Acrocallosal syndrome. Last evaluated: 2025-06-09. Review status: criteria provided, single submitter. Criteria: LabCorp Variant Classification Summary - May 2015. Collection method: clinical testing. Allele origin: germline.
Comment: Variant summary: KIF7 c.3331C>T (p.Arg1111X) results in a premature termination codon, predicted to cause a truncation of the encoded protein or absence of the protein due to nonsense mediated decay, which are commonly known mechanisms for disease. The variant allele was found at a frequency of 4.1e-06 in 245338 control chromosomes. c.3331C>T has been observed in multiple individuals affected with Acrocallosal Syndrome/Joubert Syndrome 12 (Maddirevula_2018). These data indicate that the variant is very likely to be associated with disease. The following publication has been ascertained in the context of this evaluation (PMID: 29620724). ClinVar contains an entry for this variant (Variation ID: 217670). Based on the evidence outlined above, the variant was classified as pathogenic.

Labcorp Genetics (formerly Invitae), Labcorp
Classification: Pathogenic for Acrocallosal syndrome. Last evaluated: 2024-10-14. Review status: criteria provided, single submitter. Criteria: Invitae Variant Classification Sherloc (09022015). Collection method: clinical testing. Allele origin: germline.
Comment: This sequence change creates a premature translational stop signal (p.Arg1111*) in the KIF7 gene. It is expected to result in an absent or disrupted protein product. Loss-of-function variants in KIF7 are known to be pathogenic (PMID: 19666503, 21552264, 21633164, 26648833). This variant is present in population databases (no rsID available, gnomAD 0.005%). This premature translational stop signal has been observed in individual(s) with clinical features of KIF7-related conditions (PMID: 23125460, 27081521). ClinVar contains an entry for this variant (Variation ID: 217670). For these reasons, this variant has been classified as Pathogenic.

Genomic Medicine Center of Excellence, King Faisal Specialist Hospital and Research Centre
Classification: Pathogenic for Acrocallosal syndrome. Last evaluated: 2024-09-22. Review status: criteria provided, single submitter. Criteria: ACMG Guidelines, 2015. Collection method: clinical testing. Allele origin: germline.

Blueprint Genetics
Classification: Pathogenic for KIF7-related disorders. Last evaluated: 2022-01-26. Review status: criteria provided, single submitter. Criteria: ACMG Guidelines, 2015. Collection method: clinical testing. Allele origin: germline. Affected: yes. Observed: 4 variant alleles.

Rare Disease Group, Clinical Genetics, Karolinska Institutet
Classification: Pathogenic for Acrocallosal syndrome. Last evaluated: 2019-03-12. Review status: criteria provided, single submitter. Criteria: ACMG Guidelines, 2015. Collection method: research. Allele origin: germline. Inheritance: Autosomal recessive inheritance. Affected: yes. Observed: 1 homozygote.

UW Hindbrain Malformation Research Program, University of Washington
Classification: Pathogenic for Acrocallosal syndrome. Last evaluated: 2015-02-23. Review status: criteria provided, single submitter. Criteria: Bachmann-Gagescu et al. (J Med Genet. 2015). Collection method: research. Allele origin: unknown. Affected: yes.

Pathology and Clinical Laboratory Medicine, King Fahad Medical City
Classification: Pathogenic for Acrocallosal syndrome. Review status: criteria provided, single submitter. Criteria: ACMG Guidelines, 2015. Collection method: clinical testing. Allele origin: germline. Affected: yes. Observed: 2 variant alleles.

Literature cited by the submitters: PubMed 29620724 (cited by Women's Health and Genetics/Laboratory Corporation of America, LabCorp); PubMed 19666503 (cited by Labcorp Genetics (formerly Invitae), Labcorp); PubMed 21552264 (cited by Labcorp Genetics (formerly Invitae), Labcorp); PubMed 21633164 (cited by Labcorp Genetics (formerly Invitae), Labcorp); PubMed 26648833 (cited by Labcorp Genetics (formerly Invitae), Labcorp); PubMed 23125460 (cited by Labcorp Genetics (formerly Invitae), Labcorp); PubMed 27081521 (cited by Labcorp Genetics (formerly Invitae), Labcorp).